The following is an entry in ClinVar:

ClinVar aggregate classification (germline): Uncertain significance. Review status: criteria provided, multiple submitters, no conflicts (2 of 4 stars). 2 submissions from 2 submitters: Uncertain significance (2). Last evaluated 2025-08-12.

Conditions:
Hereditary cancer-predisposing syndrome. Also called: Neoplastic Syndromes, Hereditary; Tumor predisposition; Hereditary Cancer Syndrome; Hereditary neoplastic syndrome. Identifiers: Orphanet 140162, MedGen C0027672, MeSH D009386, MONDO:0015356.
Ataxia-telangiectasia syndrome (AT). Also called: Ataxia telangiectasia (A-T); ATAXIA-TELANGIECTASIA, COMPLEMENTATION GROUP A; ATAXIA-TELANGIECTASIA, FRESNO VARIANT; Ataxia-telangiectasia; Ataxia-telangiectasia, complementation group E; LOUIS-BAR SYNDROME. Identifiers: Orphanet 100, MedGen C0004135, MONDO:0008840, OMIM 208900.

Submissions (2):

Ambry Genetics
Classification: Uncertain significance for Hereditary cancer-predisposing syndrome. Last evaluated: 2025-08-12. Review status: criteria provided, single submitter. Criteria: Ambry Variant Classification Scheme 2023. Collection method: clinical testing. Allele origin: germline.
Comment: The c.8573_8574insGAA variant (also known as p.T2858_S2859insN), located in coding exon 57 of the ATM gene, results from an in-frame GAA insertion at nucleotide positions 8573 to 8574. This results in the insertion of an extra asparagine residue between codons 2858 and 2859. This amino acid position is highly conserved in available vertebrate species. In addition, this variant is predicted to be deleterious by in silico analysis (Choi Y et al. PLoS ONE. 2012; 7(10):e46688). Based on the available evidence, the clinical significance of this variant remains unclear.

Labcorp Genetics (formerly Invitae), Labcorp
Classification: Uncertain significance for Ataxia-telangiectasia syndrome. Last evaluated: 2020-05-20. Review status: criteria provided, single submitter. Criteria: Invitae Variant Classification Sherloc (09022015). Collection method: clinical testing. Allele origin: germline.
Comment: This variant is not present in population databases (ExAC no frequency). This variant, c.8573_8574insGAA, results in the insertion of 1 amino acid(s) to the ATM protein (p.Thr2858_Ser2859insAsn), but otherwise preserves the integrity of the reading frame. In summary, the available evidence is currently insufficient to determine the role of this variant in disease. Therefore, it has been classified as a Variant of Uncertain Significance. Experimental studies and prediction algorithms are not available or were not evaluated, and the functional significance of this variant is currently unknown. This variant has not been reported in the literature in individuals with ATM-related conditions.

NM_000051.4(ATM):c.8573_8574insGAA (p.Thr2858_Ser2859insAsn)

Genes: C11orf65 (chromosome 11 open reading frame 65; minus strand), ATM (ATM serine/threonine kinase; plus strand). Cytogenetic location: 11q22.3.
Variant type: Insertion.
Coding change: c.8573_8574insGAA on transcript NM_000051.4 (MANE Select); coding-DNA positions 8573 to 8574, GAA inserted.
Protein change: p.Thr2858_Ser2859insAsn.
Molecular consequence: inframe insertion. On other transcripts: intron variant (2).
Genome position: GRCh38 VCF-style: chr11-108345897-C-CGAA. GRCh37 (hg19) VCF-style: chr11-108216624-C-CGAA.
Other names: c.8573_8574insGAA, p.Thr2858_Ser2859insAsn (NM_001351834.2); c.641-36827_641-36826insTTC (NM_001330368.2); c.695-10606_695-10605insTTC (NM_001351110.2).
Identifiers: ClinVar variation 1035507 (VCV001035507.10), dbSNP rs2088307936, ClinGen allele CA1998817237.